The following is an entry in ClinVar:

NM_001283009.2(RTEL1):c.2915C>T (p.Thr972Ile)

Genes: RTEL1 (regulator of telomere elongation helicase 1; plus strand), RTEL1-TNFRSF6B (RTEL1-TNFRSF6B readthrough (NMD candidate); plus strand). Cytogenetic location: 20q13.33.
Variant type: single nucleotide variant.
Coding change: c.2915C>T on transcript NM_001283009.2 (MANE Select); coding-DNA position 2915, C replaced by T.
Protein change: p.Thr972Ile; replaces threonine 972 with isoleucine.
Molecular consequence: missense variant. On other transcripts: non-coding transcript variant (1).
Genome position (GRCh38, 1-based): chr20:63,693,206, C>T. VCF-style: chr20-63693206-C-T. GRCh37 (hg19) VCF-style: chr20-62324559-C-T.
Other names: c.2246C>T, p.Thr749Ile (NM_001283010.1); c.2915C>T, p.Thr972Ile (NM_016434.4); c.2987C>T, p.Thr996Ile (NM_032957.5); short protein forms T996I, T972I, T749I.
Identifiers: ClinVar variation 657337 (VCV000657337.18), dbSNP rs199834369, ClinGen allele CA9965653.

ClinVar aggregate classification (germline): Conflicting classifications of pathogenicity. Review status: criteria provided, conflicting classifications (1 of 4 stars). 6 submissions from 6 submitters: Uncertain significance (2); Benign (1); Likely benign (1). 2 of the submissions do not count toward it. Last evaluated 2026-02-02.

Conditions:
Dyskeratosis congenita, autosomal recessive 5 (DKCB5). Identifiers: MedGen C3554656, MONDO:0014076, OMIM 615190.
Pulmonary fibrosis and/or bone marrow failure, Telomere-related, 3. Also called: PULMONARY FIBROSIS AND/OR BONE MARROW FAILURE SYNDROME, TELOMERE-RELATED, 3. Identifiers: Orphanet 2032, MedGen C4225346, MONDO:0014613, OMIM 616373.
Dyskeratosis congenita. Identifiers: Orphanet 1775, MedGen C0265965, MONDO:0015780.
RTEL1-related disorder. Also called: RTEL1-related disorders; RTEL1-related condition.

Allele frequency attached by ClinVar (database versions not stated): gnomAD exomes 0.00007 and 0.00027; ExAC 0.00011; 1000 Genomes Project 0.00020; 1000 Genomes Project 30x 0.00031; TOPMed 0.00042; gnomAD 0.00053 and 0.00055.
gnomAD v4.1: 189 of 1,612,170 alleles (0.012%); highest among the groups gnomAD compares: Admixed American, 0.3%; 2 homozygotes.

Submissions (6):

Labcorp Genetics (formerly Invitae), Labcorp
Classification: Benign for Dyskeratosis congenita, autosomal recessive 5; Pulmonary fibrosis and/or bone marrow failure, Telomere-related, 3. Last evaluated: 2026-02-02. Review status: criteria provided, single submitter. Criteria: Invitae Variant Classification Sherloc (09022015). Collection method: clinical testing. Allele origin: germline.

GeneDx
Classification: Uncertain significance. Last evaluated: 2023-10-19. Review status: criteria provided, single submitter. Criteria: GeneDx Variant Classification Process June 2021. Collection method: clinical testing. Allele origin: germline. Affected: yes.
Comment: In silico analysis supports that this missense variant has a deleterious effect on protein structure/function; Has not been previously published as pathogenic or benign to our knowledge

Sema4
Classification: Likely benign for Dyskeratosis congenita. Last evaluated: 2022-01-03. Review status: criteria provided, single submitter. Criteria: Sema4 Curation Guidelines. Collection method: curation. Allele origin: germline.

Revvity Omics, Revvity
Classification: Uncertain significance. Last evaluated: 2020-11-12. Review status: criteria provided, single submitter. Criteria: ACMG Guidelines, 2015. Collection method: clinical testing. Allele origin: germline.

PreventionGenetics, part of Exact Sciences
Classification: Likely benign for RTEL1-related condition. Last evaluated: 2022-09-14. Review status: no assertion criteria provided. Collection method: clinical testing. Allele origin: germline. Not counted in ClinVar's aggregate classification.
Comment: This variant is classified as likely benign based on ACMG/AMP sequence variant interpretation guidelines (Richards et al. 2015 PMID: 25741868, with internal and published modifications).

Natera, Inc.
Classification: Benign for Dyskeratosis congenita. Last evaluated: 2020-02-02. Review status: no assertion criteria provided. Collection method: clinical testing. Allele origin: germline. Not counted in ClinVar's aggregate classification.